The following is an entry in ClinVar:

ClinVar aggregate classification (germline): Uncertain significance (1 of 4 stars; one submission).

Conditions:
Curry-Hall syndrome (WAD). Also called: WEYERS ACRODENTAL DYSOSTOSIS. Identifiers: Orphanet 952, MedGen C0457013, MONDO:0008673, OMIM 193530.
Ellis-van Creveld syndrome (EVC). Also called: EVC-Related Ellis-van Creveld Syndrome; EVC2-Related Ellis-van Creveld Syndrome; MESOECTODERMAL DYSPLASIA; Chondroectodermal dysplasia. Identifiers: Orphanet 289, MedGen C0013903, MONDO:0009162, OMIM 225500.

Allele frequency attached by ClinVar (database versions not stated): gnomAD 0.00002.
gnomAD v4.1: 4 of 1,577,474 alleles (0.00025%); highest among the groups gnomAD compares: African/African-American, 0.0054%; no homozygotes.

Submission:

Labcorp Genetics (formerly Invitae), Labcorp
Classification: Uncertain significance for Curry-Hall syndrome; Ellis-van Creveld syndrome. Last evaluated: 2023-03-08. Review status: criteria provided, single submitter. Criteria: Invitae Variant Classification Sherloc (09022015). Collection method: clinical testing. Allele origin: germline.
Comment: In summary, the available evidence is currently insufficient to determine the role of this variant in disease. Therefore, it has been classified as a Variant of Uncertain Significance. This sequence change replaces glycine, which is neutral and non-polar, with valine, which is neutral and non-polar, at codon 1175 of the EVC2 protein (p.Gly1175Val). The frequency data for this variant in the population databases is considered unreliable, as metrics indicate poor data quality at this position in the gnomAD database. This variant has not been reported in the literature in individuals affected with EVC2-related conditions. An algorithm developed to predict the effect of missense changes on protein structure and function (PolyPhen-2) suggests that this variant is likely to be tolerated.

NM_147127.5(EVC2):c.3524G>T (p.Gly1175Val)

Gene: EVC2 (EvC ciliary complex subunit 2; minus strand). Cytogenetic location: 4p16.2.
Variant type: single nucleotide variant.
Coding change: c.3524G>T on transcript NM_147127.5 (MANE Select); coding-DNA position 3524, G replaced by T.
Protein change: p.Gly1175Val; replaces glycine 1175 with valine.
Molecular consequence: missense variant.
Genome position (GRCh38, 1-based): chr4:5,568,477, C>A on the plus strand (G>T on the coding strand, the complement: EVC2 is on the minus strand). VCF-style: chr4-5568477-C-A. GRCh37 (hg19) VCF-style: chr4-5570204-C-A.
Other names: c.3284G>T, p.Gly1095Val (NM_001166136.2); short protein forms G1095V, G1175V.
Identifiers: ClinVar variation 2923178 (VCV002923178.3), dbSNP rs931547972, ClinGen allele CA91691190.